The following is an entry in ClinVar:

ClinVar aggregate classification (germline): Uncertain significance. Review status: criteria provided, multiple submitters, no conflicts (2 of 4 stars). 2 submissions from 2 submitters: Uncertain significance (2). Last evaluated 2025-11-12.

Conditions:
Inborn genetic diseases. Identifiers: MedGen C0950123, MeSH D030342.
Nemaline myopathy 2 (NEM2). Also called: Nemaline myopathy 2, autosomal recessive. Identifiers: MedGen C1850569, MONDO:0009725, OMIM 256030.

Allele frequency attached by ClinVar (database versions not stated): gnomAD exomes below 0.00001; TOPMed below 0.00001; gnomAD 0.00001.
gnomAD v4.1: 5 of 1,606,132 alleles (0.00031%); highest among the groups gnomAD compares: Non-Finnish European, 0.00043%; no homozygotes.

Submissions (2):

Ambry Genetics
Classification: Uncertain significance for Inborn genetic diseases. Last evaluated: 2025-11-12. Review status: criteria provided, single submitter. Criteria: Ambry Variant Classification Scheme 2023. Collection method: clinical testing. Allele origin: germline.

Labcorp Genetics (formerly Invitae), Labcorp
Classification: Uncertain significance for Nemaline myopathy 2. Last evaluated: 2022-06-10. Review status: criteria provided, single submitter. Criteria: Invitae Variant Classification Sherloc (09022015). Collection method: clinical testing. Allele origin: germline.
Comment: This sequence change replaces lysine, which is basic and polar, with threonine, which is neutral and polar, at codon 3458 of the NEB protein (p.Lys3458Thr). This variant is present in population databases (no rsID available, gnomAD 0.0009%). This variant has not been reported in the literature in individuals affected with NEB-related conditions. Algorithms developed to predict the effect of missense changes on protein structure and function are either unavailable or do not agree on the potential impact of this missense change (SIFT: "Deleterious"; PolyPhen-2: "Not Available"; Align-GVGD: "Class C0"). In summary, the available evidence is currently insufficient to determine the role of this variant in disease. Therefore, it has been classified as a Variant of Uncertain Significance.

NM_001164508.2(NEB):c.10373A>C (p.Lys3458Thr)

Gene: NEB (nebulin; minus strand). Cytogenetic location: 2q23.3.
Variant type: single nucleotide variant.
Coding change: c.10373A>C on transcript NM_001164508.2 (MANE Select); coding-DNA position 10373, A replaced by C.
Protein change: p.Lys3458Thr; replaces lysine 3458 with threonine.
Molecular consequence: missense variant.
Genome position (GRCh38, 1-based): chr2:151,625,613, T>G on the plus strand (A>C on the coding strand, the complement: NEB is on the minus strand). VCF-style: chr2-151625613-T-G. GRCh37 (hg19) VCF-style: chr2-152482127-T-G.
Other names: c.10373A>C, p.Lys3458Thr (NM_001164507.2, NM_001271208.2); c.9644A>C, p.Lys3215Thr (NM_004543.5); c.9644A>C (NM_004543.4); short protein forms K3215T, K3458T.
Identifiers: ClinVar variation 2052824 (VCV002052824.2), dbSNP rs1432331586, ClinGen allele CA348791338.
Genomic context (GRCh38, chr2:151,625,613, plus strand): 5'-TTTTGTCTTGCCAACATGATTTCAGGTGTATCAGGCATAATATGGACTTGGGTCTTGTCT[T>G]TGTCCCAGGCTTCTGTGTATAAGCGCTGTGAAGGATAAAAAGGTTAATGAATTAGAAAAA-3'
Protein context (NP_001157980.2, residues 3448-3468): NKRLYTEAWD[Lys3458Thr]DKTQVHIMPD